The following is an entry in ClinVar:

ClinVar aggregate classification (germline): Likely benign. Review status: criteria provided, multiple submitters, no conflicts (2 of 4 stars). 4 submissions from 4 submitters: Likely benign (3). 1 of the submissions does not count toward it. Last evaluated 2026-01-05.

Conditions:
TGFB2-related disorder. Also called: TGFB2-related condition.
Loeys-Dietz syndrome 4 (LDS4). Also called: ANEURYSM, AORTIC AND CEREBRAL, WITH ARTERIAL TORTUOSITY AND SKELETAL MANIFESTATIONS; TGFB2-Related Loeys-Dietz Syndrome. Identifiers: MedGen C3553762, MONDO:0013897, OMIM 614816.

Allele frequency attached by ClinVar (database versions not stated): gnomAD exomes below 0.00001 and 0.00001; TOPMed 0.00001; ExAC 0.00002.
gnomAD v4.1: 4 of 1,611,202 alleles (0.00025%); highest among the groups gnomAD compares: East Asian, 0.0089%; no homozygotes.

Submissions (4):

Labcorp Genetics (formerly Invitae), Labcorp
Classification: Likely benign for Loeys-Dietz syndrome 4. Last evaluated: 2026-01-05. Review status: criteria provided, single submitter. Criteria: Invitae Variant Classification Sherloc (09022015). Collection method: clinical testing. Allele origin: germline.

Mayo Clinic Laboratories, Mayo Clinic
Classification: Likely benign. Last evaluated: 2025-09-30. Review status: criteria provided, single submitter. Criteria: ACMG Guidelines, 2015. Collection method: clinical testing. Allele origin: germline. Observed: 1 variant allele.
Comment: BP4, BP7

Blueprint Genetics
Classification: Likely benign. Last evaluated: 2023-06-14. Review status: criteria provided, single submitter. Criteria: ACMG Guidelines, 2015. Collection method: clinical testing. Allele origin: germline.

PreventionGenetics, part of Exact Sciences
Classification: Likely benign for TGFB2-related condition. Last evaluated: 2021-03-09. Review status: no assertion criteria provided. Collection method: clinical testing. Allele origin: germline. Not counted in ClinVar's aggregate classification.
Comment: This variant is classified as likely benign based on ACMG/AMP sequence variant interpretation guidelines (Richards et al. 2015 PMID: 25741868, with internal and published modifications).

NM_003238.6(TGFB2):c.1095C>T (p.Ser365=)

Gene: TGFB2 (transforming growth factor beta 2; plus strand). Cytogenetic location: 1q41.
Variant type: single nucleotide variant.
Coding change: c.1095C>T on transcript NM_003238.6 (MANE Select); coding-DNA position 1095, C replaced by T.
Protein change: p.Ser365=; no amino-acid change (serine 365 retained).
Molecular consequence: synonymous variant. On other transcripts: non-coding transcript variant (2).
Genome position (GRCh38, 1-based): chr1:218,441,212, C>T. VCF-style: chr1-218441212-C-T. GRCh37 (hg19) VCF-style: chr1-218614554-C-T.
Other names: p.Ser365=; c.1179C>T, p.Ser393= (NM_001135599.4); c.1095C>T (NM_003238.4).
Identifiers: ClinVar variation 1087713 (VCV001087713.15), dbSNP rs748818194, ClinGen allele CA1398682.